The following is an entry in ClinVar:

NM_080473.5(GATA5):c.920C>T (p.Thr307Ile)

Gene: GATA5 (GATA binding protein 5; minus strand). Cytogenetic location: 20q13.33.
Variant type: single nucleotide variant.
Coding change: c.920C>T on transcript NM_080473.5 (MANE Select); coding-DNA position 920, C replaced by T.
Protein change: p.Thr307Ile; replaces threonine 307 with isoleucine.
Molecular consequence: missense variant.
Genome position (GRCh38, 1-based): chr20:62,465,458, G>A on the plus strand (C>T on the coding strand, the complement: GATA5 is on the minus strand). VCF-style: chr20-62465458-G-A. GRCh37 (hg19) VCF-style: chr20-61040514-G-A.
Other names: short protein forms T307I.
Identifiers: ClinVar variation 3343128 (VCV003343128.2).

ClinVar aggregate classification (germline): Uncertain significance. Review status: criteria provided, multiple submitters, no conflicts (2 of 4 stars). 2 submissions from 2 submitters: Uncertain significance (2). Last evaluated 2026-01-21.

gnomAD v4.1: 26 of 1,607,468 alleles (0.0016%); highest among the groups gnomAD compares: Non-Finnish European, 0.002%; no homozygotes.

Submissions (2):

Labcorp Genetics (formerly Invitae), Labcorp
Classification: Uncertain significance. Last evaluated: 2026-01-21. Review status: criteria provided, single submitter. Criteria: Invitae Variant Classification Sherloc (09022015). Collection method: clinical testing. Allele origin: germline.
Comment: This sequence change replaces threonine, which is neutral and polar, with isoleucine, which is neutral and non-polar, at codon 307 of the GATA5 protein (p.Thr307Ile). This variant is present in population databases (no rsID available, gnomAD 0.003%). This variant has not been reported in the literature in individuals affected with GATA5-related conditions. ClinVar contains an entry for this variant (Variation ID: 3343128). Invitae Evidence Modeling of protein sequence and biophysical properties (such as structural, functional, and spatial information, amino acid conservation, physicochemical variation, residue mobility, and thermodynamic stability) indicates that this missense variant is not expected to disrupt GATA5 protein function with a negative predictive value of 80%. In summary, the available evidence is currently insufficient to determine the role of this variant in disease. Therefore, it has been classified as a Variant of Uncertain Significance.

GeneDx
Classification: Uncertain significance. Last evaluated: 2023-05-01. Review status: criteria provided, single submitter. Criteria: GeneDx Variant Classification Process June 2021. Collection method: clinical testing. Allele origin: germline. Affected: yes.
Comment: Not observed at significant frequency in large population cohorts (gnomAD); In silico analysis supports that this missense variant has a deleterious effect on protein structure/function; Has not been previously published as pathogenic or benign to our knowledge